The following is an entry in ClinVar:

NM_001127178.3(PIGG):c.931C>T (p.Gln311Ter)

Gene: PIGG (phosphatidylinositol glycan anchor biosynthesis class G (EMM blood group); plus strand). Cytogenetic location: 4p16.3.
Variant type: single nucleotide variant.
Coding change: c.931C>T on transcript NM_001127178.3 (MANE Select); coding-DNA position 931, C replaced by T.
Protein change: p.Gln311Ter; replaces glutamine 311 with a stop codon.
Molecular consequence: nonsense. On other transcripts: 5 prime UTR variant (4), non-coding transcript variant (10).
Genome position (GRCh38, 1-based): chr4:516,002, C>T. VCF-style: chr4-516002-C-T. GRCh37 (hg19) VCF-style: chr4-509791-C-T.
Other names: c.664C>T, p.Gln222Ter (NM_001289051.2, NM_001289053.2, NM_001289057.2 and 2 more transcripts); c.532C>T, p.Gln178Ter (NM_001289052.2); c.565C>T, p.Gln189Ter (NM_001289055.2); c.-99C>T (NM_001345988.2); c.931C>T, p.Gln311Ter (NM_001345989.2, NM_017733.5); c.-695C>T (NM_001345990.2); c.-557C>T (NM_001345991.2); c.-282C>T (NM_001345994.2); short protein forms Q189*, Q222*, Q178*, Q311*.
Identifiers: ClinVar variation 2971179 (VCV002971179.3), dbSNP rs759656227, ClinGen allele CA355901812.

ClinVar aggregate classification (germline): Pathogenic (1 of 4 stars; one submission).

Conditions:
Intellectual disability, autosomal recessive 53 (NEDHSCA). Also called: GLYCOSYLPHOSPHATIDYLINOSITOL BIOSYNTHESIS DEFECT 13; Mental retardation, autosomal recessive 53; NEURODEVELOPMENTAL DISORDER WITH OR WITHOUT HYPOTONIA, SEIZURES, AND CEREBELLAR ATROPHY. Identifiers: Orphanet 488635, MedGen C4310794, MONDO:0014832, OMIM 616917.

Submission:

Labcorp Genetics (formerly Invitae), Labcorp
Classification: Pathogenic for Intellectual disability, autosomal recessive 53. Last evaluated: 2025-03-17. Review status: criteria provided, single submitter. Criteria: Invitae Variant Classification Sherloc (09022015). Collection method: clinical testing. Allele origin: germline.
Comment: This sequence change creates a premature translational stop signal (p.Gln311*) in the PIGG gene. It is expected to result in an absent or disrupted protein product. Loss-of-function variants in PIGG are known to be pathogenic (PMID: 26996948, 28581210, 28771251). This variant is not present in population databases (gnomAD no frequency). This variant has not been reported in the literature in individuals affected with PIGG-related conditions. ClinVar contains an entry for this variant (Variation ID: 2971179). For these reasons, this variant has been classified as Pathogenic.

Literature cited by the submitters: PubMed 26996948; PubMed 28581210; PubMed 28771251.